The following is an entry in ClinVar:

ClinVar aggregate classification (germline): Benign/Likely benign. Review status: criteria provided, multiple submitters, no conflicts (2 of 4 stars). 20 submissions from 18 submitters: Benign (13); Likely benign (4). 3 of the submissions do not count toward it. Last evaluated 2026-02-04.

Conditions:
Hereditary cancer-predisposing syndrome. Also called: Tumor predisposition; Neoplastic Syndromes, Hereditary; Hereditary Cancer Syndrome; Hereditary neoplastic syndrome. Identifiers: Orphanet 140162, MedGen C0027672, MeSH D009386, MONDO:0015356.
Hereditary pheochromocytoma and paraganglioma. Also called: Hereditary paragangliomas and pheochromocytomas; Hereditary pheochromocytoma-paraganglioma; Hereditary Paraganglioma-Pheochromocytoma Syndromes. Identifiers: Orphanet 29072, MedGen C4274332, MONDO:0017366.
Leigh syndrome (NULS). Also called: Leigh's necrotizing encephalopathy; Leigh Syndrome (mtDNA deletion); Subacute necrotizing encephalopathy; Necrotizing encephalopathy infantile subacute of Leigh; LEIGH SYNDROME, NUCLEAR; Leigh's syndrome. Identifiers: Orphanet 506, MedGen C2931891, MONDO:0009723, OMIM 256000.
Pheochromocytoma/paraganglioma syndrome 5. Also called: Paragangliomas 5; SDHA-Related Hereditary Paraganglioma-Pheochromocytoma Syndrome. Identifiers: Orphanet 29072, MedGen C3279992, MONDO:0013602, OMIM 614165.
Mitochondrial complex II deficiency, nuclear type 1. Also called: SUCCINATE CoQ REDUCTASE DEFICIENCY. Identifiers: Orphanet 3208, MedGen C5700310, MONDO:0100294, OMIM 252011.
Dilated cardiomyopathy 1GG (CMD1GG). Identifiers: Orphanet 154, MedGen C3150898, MONDO:0013339, OMIM 613642.
Neurodegeneration with ataxia and late-onset optic atrophy. Identifiers: MedGen C5543254, MONDO:0031006, OMIM 619259.

Allele frequency attached by ClinVar (database versions not stated): 1000 Genomes Project 0.01857; 1000 Genomes Project 30x 0.01936; TOPMed 0.02698; gnomAD 0.02888 and 0.02959; ESP Exome Variant Server 0.03283; gnomAD exomes 0.03512 and 0.04402; ExAC 0.03529.
gnomAD v4.1: 68,540 of 1,613,484 alleles (4.2%); highest among the groups gnomAD compares: South Asian, 6%; 1,760 homozygotes.

Submissions (20):

Labcorp Genetics (formerly Invitae), Labcorp
Classification: Benign for Pheochromocytoma/paraganglioma syndrome 5; Mitochondrial complex II deficiency, nuclear type 1. Last evaluated: 2026-02-04. Review status: criteria provided, single submitter. Criteria: Invitae Variant Classification Sherloc (09022015). Collection method: clinical testing. Allele origin: germline.

Hereditary Cancer Laboratory, Hospital Universitario 12 de Octubre
Classification: Benign for Hereditary cancer-predisposing syndrome. Last evaluated: 2025-03-18. Review status: criteria provided, single submitter. Criteria: ACMG Guidelines, 2015. Collection method: clinical testing. Allele origin: germline.
Comment: BA1+BS2+BP4+BP6

Center for Genomic Medicine, Rigshospitalet, Copenhagen University Hospital
Classification: Benign. Last evaluated: 2025-03-04. Review status: criteria provided, single submitter. Criteria: ACMG Guidelines, 2015. Collection method: clinical testing. Allele origin: germline.

Myriad Genetics, Inc.
Classification: Benign for Pheochromocytoma/paraganglioma syndrome 5. Last evaluated: 2025-02-28. Review status: criteria provided, single submitter. Criteria: Myriad Autosomal Dominant, Autosomal Recessive and X-Linked Classification Criteria (2023). Collection method: clinical testing. Allele origin: unknown.
Comment: This variant is considered benign. This variant has been observed at a population frequency that is significantly greater than expected given the associated disease prevalence and penetrance.

Blueprint Genetics
Classification: Likely benign. Last evaluated: 2024-11-26. Review status: criteria provided, single submitter. Criteria: ACMG Guidelines, 2015. Collection method: clinical testing. Allele origin: germline.

KCCC/NGS Laboratory, Kuwait Cancer Control Center
Classification: Benign for Pheochromocytoma/paraganglioma syndrome 5. Last evaluated: 2023-07-07. Review status: criteria provided, single submitter. Criteria: ACMG Guidelines, 2015. Collection method: clinical testing. Allele origin: germline. Affected: yes.

Mayo Clinic Laboratories, Mayo Clinic
Classification: Benign. Last evaluated: 2022-03-24. Review status: criteria provided, single submitter. Criteria: ACMG Guidelines, 2015. Collection method: clinical testing. Allele origin: germline. Observed: 128 variant alleles.

Department of Pathology and Laboratory Medicine, Sinai Health System
Classification: Benign for Mitochondrial complex II deficiency, nuclear type 1; Dilated cardiomyopathy 1GG; Pheochromocytoma/paraganglioma syndrome 5; Neurodegeneration with ataxia and late-onset optic atrophy. Last evaluated: 2021-12-03. Review status: criteria provided, single submitter. Criteria: ACMG Guidelines, 2015. Collection method: clinical testing. Allele origin: germline. Affected: yes.

Institute of Human Genetics, University of Leipzig Medical Center
Classification: Likely benign for Dilated cardiomyopathy 1GG. Last evaluated: 2019-01-01. Review status: criteria provided, single submitter. Criteria: ACMG Guidelines, 2015. Collection method: clinical testing. Allele origin: unknown. Affected: yes.

Illumina Laboratory Services, Illumina
Classification: Likely benign for Mitochondrial complex II deficiency, nuclear type 1. Last evaluated: 2018-01-13. Review status: criteria provided, single submitter. Criteria: ICSL Variant Classification Criteria 13 December 2019. Collection method: clinical testing. Allele origin: germline.
Comment: This variant was observed in the ICSL laboratory as part of a predisposition screen in an ostensibly healthy population. It had not been previously curated by ICSL or reported in the Human Gene Mutation Database (HGMD: prior to June 1st, 2018), and was therefore a candidate for classification through an automated scoring system. Utilizing variant allele frequency, disease prevalence and penetrance estimates, and inheritance mode, an automated score was calculated to assess if this variant is too frequent to cause the disease. Based on the score and internal cut-off values, a variant classified as likely benign is not then subjected to further curation. The score for this variant resulted in a classification of likely benign for this disease.

Illumina Laboratory Services, Illumina
Classification: Benign for Hereditary Paraganglioma-Pheochromocytoma Syndromes. Last evaluated: 2018-01-13. Review status: criteria provided, single submitter. Criteria: ICSL Variant Classification Criteria 13 December 2019. Collection method: clinical testing. Allele origin: germline.
Comment: This variant was observed in the ICSL laboratory as part of a predisposition screen in an ostensibly healthy population. It had not been previously curated by ICSL or reported in the Human Gene Mutation Database (HGMD: prior to June 1st, 2018), and was therefore a candidate for classification through an automated scoring system. Utilizing variant allele frequency, disease prevalence and penetrance estimates, and inheritance mode, an automated score was calculated to assess if this variant is too frequent to cause the disease. Based on the score and internal cut-off values, a variant classified as benign is not then subjected to further curation. The score for this variant resulted in a classification of benign for this disease.

Illumina Laboratory Services, Illumina
Classification: Benign for Leigh syndrome. Last evaluated: 2018-01-13. Review status: criteria provided, single submitter. Criteria: ICSL Variant Classification Criteria 13 December 2019. Collection method: clinical testing. Allele origin: germline.
Comment: the same text as in the submission from Illumina Laboratory Services, Illumina above.

ARUP Laboratories, Molecular Genetics and Genomics, ARUP Laboratories
Classification: Benign. Last evaluated: 2017-09-20. Review status: criteria provided, single submitter. Criteria: ARUP Molecular Germline Variant Investigation Process. Collection method: clinical testing. Allele origin: germline.

GeneDx
Classification: Benign. Last evaluated: 2015-03-03. Review status: criteria provided, single submitter. Criteria: GeneDx Variant Classification Process June 2021. Collection method: clinical testing. Allele origin: germline. Affected: yes.

Ambry Genetics
Classification: Benign for Hereditary cancer-predisposing syndrome. Last evaluated: 2014-11-19. Review status: criteria provided, single submitter. Criteria: Ambry Variant Classification Scheme 2023. Collection method: clinical testing. Allele origin: germline.

Breakthrough Genomics
Classification: Likely benign. Review status: criteria provided, single submitter. Criteria: ACMG Guidelines, 2015. Collection method: not provided. Allele origin: germline. Inheritance: Autosomal recessive inheritance. Affected: yes.

PreventionGenetics, part of Exact Sciences
Classification: Benign. Review status: criteria provided, single submitter. Criteria: ACMG Guidelines, 2015. Collection method: clinical testing. Allele origin: germline.

Genome Diagnostics Laboratory, University Medical Center Utrecht
Classification: Benign. Review status: no assertion criteria provided. Collection method: clinical testing. Allele origin: germline. Affected: yes. Study: VKGL Data-share Consensus. Not counted in ClinVar's aggregate classification.

Joint Genome Diagnostic Labs from Nijmegen and Maastricht, Radboudumc and MUMC+
Classification: Benign. Review status: no assertion criteria provided. Collection method: clinical testing. Allele origin: germline. Affected: yes. Study: VKGL Data-share Consensus. Not counted in ClinVar's aggregate classification.

Laboratory of Diagnostic Genome Analysis, Leiden University Medical Center (LUMC)
Classification: Benign. Review status: no assertion criteria provided. Collection method: clinical testing. Allele origin: germline. Affected: yes. Study: VKGL Data-share Consensus. Not counted in ClinVar's aggregate classification.

NM_004168.4(SDHA):c.113A>T (p.Asp38Val)

Gene: SDHA (succinate dehydrogenase complex flavoprotein subunit A; plus strand). Cytogenetic location: 5p15.33.
Variant type: single nucleotide variant.
Coding change: c.113A>T on transcript NM_004168.4 (MANE Select); coding-DNA position 113, A replaced by T.
Protein change: p.Asp38Val; replaces aspartic acid 38 with valine.
Molecular consequence: missense variant.
Genome position (GRCh38, 1-based): chr5:223,531, A>T. VCF-style: chr5-223531-A-T. GRCh37 (hg19) VCF-style: chr5-223646-A-T.
Other names: c.113A>T, p.Asp38Val (NM_001294332.2, NM_001330758.2); short protein forms D38V.
Identifiers: ClinVar variation 224957 (VCV000224957.42), dbSNP rs34635677, ClinGen allele CA358585.